The following is an entry in ClinVar:

ClinVar aggregate classification (germline): Conflicting classifications of pathogenicity. Review status: criteria provided, conflicting classifications (1 of 4 stars). 2 submissions from 2 submitters: Uncertain significance (1); Likely benign (1). Last evaluated 2025-06-05.

Conditions:
Congenital contractural arachnodactyly (CCA). Also called: Arthrogryposis, distal, type 9; BEALS SYNDROME; Beals-Hecht syndrome. Identifiers: Orphanet 115, MedGen C0220668, MONDO:0007363, OMIM 121050.

Allele frequency attached by ClinVar (database versions not stated): gnomAD exomes below 0.00001 and 0.00001; gnomAD 0.00001; TOPMed 0.00001; ExAC 0.00002.
gnomAD v4.1: 3 of 1,612,836 alleles (0.00019%); highest among the groups gnomAD compares: East Asian, 0.0022%; no homozygotes.

Submissions (2):

GeneDx
Classification: Uncertain significance. Last evaluated: 2025-06-05. Review status: criteria provided, single submitter. Criteria: GeneDx Variant Classification Process June 2021. Collection method: clinical testing. Allele origin: germline. Affected: yes.
Comment: Not observed at significant frequency in large population cohorts (gnomAD); In silico analysis supports that this missense variant has a deleterious effect on protein structure/function; Has not been previously published as pathogenic or benign to our knowledge; This variant is associated with the following publications: (PMID: 19006240, 18767143)

Labcorp Genetics (formerly Invitae), Labcorp
Classification: Likely benign for Congenital contractural arachnodactyly. Last evaluated: 2022-11-14. Review status: criteria provided, single submitter. Criteria: Invitae Variant Classification Sherloc (09022015). Collection method: clinical testing. Allele origin: germline.

NM_001999.4(FBN2):c.5965C>T (p.Arg1989Cys)

Gene: FBN2 (fibrillin 2; minus strand). Cytogenetic location: 5q23.3.
Variant type: single nucleotide variant.
Coding change: c.5965C>T on transcript NM_001999.4 (MANE Select); coding-DNA position 5965, C replaced by T.
Protein change: p.Arg1989Cys; replaces arginine 1989 with cysteine.
Molecular consequence: missense variant.
Genome position (GRCh38, 1-based): chr5:128,301,463, G>A on the plus strand (C>T on the coding strand, the complement: FBN2 is on the minus strand). VCF-style: chr5-128301463-G-A. GRCh37 (hg19) VCF-style: chr5-127637155-G-A.
Other names: short protein forms R1989C.
Identifiers: ClinVar variation 393241 (VCV000393241.6), dbSNP rs758369648, ClinGen allele CA3394535.